The following is an entry in ClinVar:

ClinVar aggregate classification (germline): Likely benign. Review status: criteria provided, multiple submitters, no conflicts (2 of 4 stars). 2 submissions from 2 submitters: Likely benign (2). Last evaluated 2025-12-01.

Conditions:
HSPG2-related disorder. Also called: HSPG2-related condition; HSPG2-related disorders.

Allele frequency attached by ClinVar (database versions not stated): ESP Exome Variant Server 0.00008; ExAC 0.00013; TOPMed 0.00013; 1000 Genomes Project 30x 0.00078; 1000 Genomes Project 0.00080.
gnomAD v4.1: 90 of 1,613,288 alleles (0.0056%); highest among the groups gnomAD compares: East Asian, 0.1%; no homozygotes.

Submissions (2):

PreventionGenetics, part of Exact Sciences
Classification: Likely benign for HSPG2-related condition. Last evaluated: 2025-12-01. Review status: criteria provided, single submitter. Criteria: ACMG Guidelines, 2015. Collection method: clinical testing. Allele origin: germline.
Comment: This variant is classified as likely benign based on ACMG/AMP sequence variant interpretation guidelines (Richards et al. 2015 PMID: 25741868, with internal and published modifications).

Labcorp Genetics (formerly Invitae), Labcorp
Classification: Likely benign. Last evaluated: 2025-10-21. Review status: criteria provided, single submitter. Criteria: Invitae Variant Classification Sherloc (09022015). Collection method: clinical testing. Allele origin: germline.

NM_005529.7(HSPG2):c.8898C>T (p.Pro2966=)

Gene: HSPG2 (heparan sulfate proteoglycan 2; minus strand). Cytogenetic location: 1p36.12.
Variant type: single nucleotide variant.
Coding change: c.8898C>T on transcript NM_005529.7 (MANE Select); coding-DNA position 8898, C replaced by T.
Protein change: p.Pro2966=; no amino-acid change (proline 2966 retained).
Molecular consequence: synonymous variant.
Genome position (GRCh38, 1-based): chr1:21,842,782, G>A on the plus strand (C>T on the coding strand, the complement: HSPG2 is on the minus strand). VCF-style: chr1-21842782-G-A. GRCh37 (hg19) VCF-style: chr1-22169275-G-A.
Other names: c.8901C>T, p.Pro2967= (NM_001291860.2).
Identifiers: ClinVar variation 773628 (VCV000773628.11), dbSNP rs149203308, ClinGen allele CA670629.